The following is an entry in ClinVar:

NM_198253.3(TERT):c.1025G>A (p.Arg342Gln)

Gene: TERT (telomerase reverse transcriptase; minus strand). Cytogenetic location: 5p15.33.
Variant type: single nucleotide variant.
Coding change: c.1025G>A on transcript NM_198253.3 (MANE Select); coding-DNA position 1025, G replaced by A.
Protein change: p.Arg342Gln; replaces arginine 342 with glutamine.
Molecular consequence: missense variant. On other transcripts: non-coding transcript variant (2).
Genome position (GRCh38, 1-based): chr5:1,293,861, C>T on the plus strand (G>A on the coding strand, the complement: TERT is on the minus strand). VCF-style: chr5-1293861-C-T. GRCh37 (hg19) VCF-style: chr5-1293976-C-T.
Other names: c.1025G>A, p.Arg342Gln (NM_001193376.3); short protein forms R342Q.
Identifiers: ClinVar variation 567740 (VCV000567740.14), dbSNP rs773366454, ClinGen allele CA3184880.
Genomic context (GRCh38, chr5:1,293,861, plus strand): 5'-TCCACGAGCCTCCGAGCGCCAGTCAGGCTGGGCCTCAGAGAGCTGAGTAGGAAGGAGGGC[C>T]GCAGCTGCTCCTTGTCGCCTGAGGAGTAGAGGAAGTGCTTGGTCTCGGCGTACACCGGGG-3'
Protein context (NP_937983.2, residues 332-352): LYSSGDKEQL[Arg342Gln]PSFLLSSLRP

ClinVar aggregate classification (germline): Conflicting classifications of pathogenicity. Review status: criteria provided, conflicting classifications (1 of 4 stars). 2 submissions from 2 submitters: Uncertain significance (1); Benign (1). Last evaluated 2025-07-07.

Conditions:
Dyskeratosis congenita. Identifiers: Orphanet 1775, MedGen C0265965, MONDO:0015780.
Dyskeratosis congenita, autosomal dominant 2. Identifiers: MedGen C3151443, MONDO:0013521, OMIM 613989.
Idiopathic Pulmonary Fibrosis. Also called: Idiopathic fibrosing alveolitis, chronic form; idiopathic fibrosing alveolitis. Identifiers: Orphanet 2032, MedGen C1800706, MeSH D054990, MONDO:0800504.

Allele frequency attached by ClinVar (database versions not stated): ExAC below 0.00001; gnomAD exomes below 0.00001; TOPMed 0.00003; gnomAD 0.00005 and 0.00006.
gnomAD v4.1: 10 of 1,546,002 alleles (0.00065%); highest among the groups gnomAD compares: African/African-American, 0.014%; no homozygotes.

Submissions (2):

Labcorp Genetics (formerly Invitae), Labcorp
Classification: Benign for Dyskeratosis congenita, autosomal dominant 2; Idiopathic Pulmonary Fibrosis. Last evaluated: 2025-07-07. Review status: criteria provided, single submitter. Criteria: Invitae Variant Classification Sherloc (09022015). Collection method: clinical testing. Allele origin: germline.

Ambry Genetics
Classification: Uncertain significance for Dyskeratosis congenita. Last evaluated: 2025-04-24. Review status: criteria provided, single submitter. Criteria: Ambry Variant Classification Scheme 2023. Collection method: clinical testing. Allele origin: germline.
Comment: The p.R342Q variant (also known as c.1025G>A), located in coding exon 2 of the TERT gene, results from a G to A substitution at nucleotide position 1025. The arginine at codon 342 is replaced by glutamine, an amino acid with highly similar properties. This amino acid position is poorly conserved in available vertebrate species. In addition, this alteration is predicted to be tolerated by in silico analysis. Based on the available evidence, the clinical significance of this variant remains unclear.